The following is an entry in ClinVar:

ClinVar aggregate classification (germline): Pathogenic/Likely pathogenic. Review status: criteria provided, multiple submitters, no conflicts (2 of 4 stars). 7 submissions from 7 submitters: Pathogenic (2); Likely pathogenic (4). 1 of the submissions does not count toward it. Last evaluated 2026-04-10.

Conditions:
ABCA4-related disorder. Also called: ABCA4-related disorders; ABCA4-related condition. Identifiers: MedGen CN239167.
Severe early-childhood-onset retinal dystrophy (STGD1). Also called: MACULAR DYSTROPHY WITH FLECKS, TYPE 1; STGD; Stargardt macular dystrophy; Juvenile onset macular degeneration; Stargardt disease 1. Identifiers: Orphanet 364055, Orphanet 827, MedGen C1855465, MeSH D000080362, MONDO:0009549, OMIM 248200.
Retinitis pigmentosa 19 (RP19). Also called: ABCA4-Related Retinitis Pigmentosa. Identifiers: Orphanet 791, MedGen C1866422, MONDO:0011137, OMIM 601718.
Cone-rod dystrophy 3 (CORD3). Identifiers: Orphanet 1872, MedGen C1858806, MONDO:0011395, OMIM 604116.
Age related macular degeneration 2. Also called: MACULAR DEGENERATION, SENILE; MACULOPATHY, AGE-RELATED, 2; MACULOPATHY, AGE-RELATED. Identifiers: MedGen C3495438, MONDO:0007932, OMIM 153800.
Retinal dystrophy. Also called: Inherited retinal dystrophy. Identifiers: Orphanet 71862, MedGen C0854723, MeSH D058499, MONDO:0019118, HP:0000556.

Allele frequency attached by ClinVar (database versions not stated): gnomAD 0.00009 and 0.00007; ESP Exome Variant Server 0.00023; TOPMed 0.00010; gnomAD exomes 0.00004 and 0.00001; ExAC 0.00004.
gnomAD v4.1: 25 of 1,614,060 alleles (0.0015%); highest among the groups gnomAD compares: African/African-American, 0.023%; no homozygotes.

Submissions (7):

PreventionGenetics, part of Exact Sciences
Classification: Likely pathogenic for ABCA4-related condition. Last evaluated: 2026-04-10. Review status: criteria provided, single submitter. Criteria: ACMG Guidelines, 2015. Collection method: clinical testing. Allele origin: germline.
Comment: The ABCA4 c.2813T>C variant is predicted to result in the amino acid substitution p.Phe938Ser. This variant has been reported in many individuals with ABCA4-related retinal disease (see for example: Table S2, Carss et al. 2017. PubMed ID: 28041643; Table S1, Fujinami et al. 2018. PubMed ID: 29925512; Table S4, Panneman et al. 2023. PubMed ID: 36819107; Table S1, Lin et al. 2024. PubMed ID: 38219857). This variant is present in 0.052% of alleles in individuals of African descent in gnomAD, and a study of the frequency of this variant in affected individuals versus the general population has classified this variant as having mild/moderate severity (Table S2A, Cornelis et al. 2022. PubMed ID: 35120629). This variant is interpreted as likely pathogenic.

Labcorp Genetics (formerly Invitae), Labcorp
Classification: Pathogenic. Last evaluated: 2026-01-21. Review status: criteria provided, single submitter. Criteria: Invitae Variant Classification Sherloc (09022015). Collection method: clinical testing. Allele origin: germline.
Comment: This sequence change replaces phenylalanine, which is neutral and non-polar, with serine, which is neutral and polar, at codon 938 of the ABCA4 protein (p.Phe938Ser). This variant is present in population databases (rs149071415, gnomAD 0.05%). This missense change has been observed in individuals with ABCA4-related conditions (PMID: 28041643, 29925512; internal data). ClinVar contains an entry for this variant (Variation ID: 438091). Invitae Evidence Modeling of protein sequence and biophysical properties (such as structural, functional, and spatial information, amino acid conservation, physicochemical variation, residue mobility, and thermodynamic stability) indicates that this missense variant is expected to disrupt ABCA4 protein function with a positive predictive value of 95%. For these reasons, this variant has been classified as Pathogenic.

GeneDx
Classification: Likely pathogenic. Last evaluated: 2025-08-15. Review status: criteria provided, single submitter. Criteria: GeneDx Variant Classification Process June 2021. Collection method: clinical testing. Allele origin: germline. Affected: yes.
Comment: In silico analysis supports that this missense variant has a deleterious effect on protein structure/function; This variant is associated with the following publications: (PMID: 35120629, 36819107, 31589614, 29925512, 32581362, 36259723, 28041643, 36460718, 38219857)

Fulgent Genetics
Classification: Likely pathogenic for Age related macular degeneration 2; Severe early-childhood-onset retinal dystrophy; Retinitis pigmentosa 19; Cone-rod dystrophy 3. Last evaluated: 2024-02-13. Review status: criteria provided, single submitter. Criteria: ACMG Guidelines, 2015. Collection method: clinical testing. Allele origin: germline.

Blueprint Genetics
Classification: Pathogenic for ABCA4-related disorders. Last evaluated: 2023-05-26. Review status: criteria provided, single submitter. Criteria: ACMG Guidelines, 2015. Collection method: clinical testing. Allele origin: germline. Affected: yes. Observed: 5 variant alleles.

Department of Pathology and Laboratory Medicine, Sinai Health System
Classification: Likely pathogenic for Cone-rod dystrophy 3; Severe early-childhood-onset retinal dystrophy; Retinitis pigmentosa 19. Last evaluated: 2022-11-29. Review status: criteria provided, single submitter. Criteria: ACMG Guidelines, 2015. Collection method: research. Allele origin: germline.

NIHR Bioresource Rare Diseases, University of Cambridge
Classification: Likely pathogenic for Retinal dystrophy. Last evaluated: 2015-01-01. Review status: no assertion criteria provided. Collection method: research. Allele origin: unknown. Affected: yes. Observed: 1 variant allele. Not counted in ClinVar's aggregate classification.

Literature cited by the submitters: PubMed 28041643 (cited by Labcorp Genetics (formerly Invitae), Labcorp and NIHR Bioresource Rare Diseases, University of Cambridge); PubMed 29925512 (cited by Labcorp Genetics (formerly Invitae), Labcorp).

NM_000350.3(ABCA4):c.2813T>C (p.Phe938Ser)

Gene: ABCA4 (ATP binding cassette subfamily A member 4; minus strand). Cytogenetic location: 1p22.1.
Variant type: single nucleotide variant.
Coding change: c.2813T>C on transcript NM_000350.3 (MANE Select); coding-DNA position 2813, T replaced by C.
Protein change: p.Phe938Ser; replaces phenylalanine 938 with serine.
Molecular consequence: missense variant.
Genome position (GRCh38, 1-based): chr1:94,047,024, A>G on the plus strand (T>C on the coding strand, the complement: ABCA4 is on the minus strand). VCF-style: chr1-94047024-A-G. GRCh37 (hg19) VCF-style: chr1-94512580-A-G.
Other names: c.2591T>C, p.Phe864Ser (NM_001425324.1); short protein forms F938S, F864S.
Identifiers: ClinVar variation 438091 (VCV000438091.19), dbSNP rs149071415, ClinGen allele CA958148.